The following is an entry in ClinVar:

ClinVar aggregate classification (germline): Benign. Review status: criteria provided, multiple submitters, no conflicts (2 of 4 stars). 2 submissions from 2 submitters: Benign (2). Last evaluated 2018-06-14.

Allele frequency attached by ClinVar (database versions not stated): 1000 Genomes Project 30x 0.21846; TOPMed 0.22699; 1000 Genomes Project 0.22784; gnomAD 0.24467 and 0.24478; gnomAD exomes 0.26795; ExAC 0.37084.
gnomAD v4.1: 448,916 of 1,550,034 alleles (29%); highest among the groups gnomAD compares: East Asian, 45%; 69,454 homozygotes.

Submissions (2):

GeneDx
Classification: Benign. Last evaluated: 2018-06-14. Review status: criteria provided, single submitter. Criteria: GeneDx Variant Classification (06012015). Collection method: clinical testing. Allele origin: germline. Affected: yes.
Comment: This variant is considered likely benign or benign based on one or more of the following criteria: it is a conservative change, it occurs at a poorly conserved position in the protein, it is predicted to be benign by multiple in silico algorithms, and/or has population frequency not consistent with disease.

Breakthrough Genomics
Classification: Benign. Review status: criteria provided, single submitter. Criteria: ACMG Guidelines, 2015. Collection method: not provided. Allele origin: germline. Inheritance: Autosomal recessive inheritance. Affected: yes.

NM_013382.7(POMT2):c.1891+54A>G

Gene: POMT2 (protein O-mannosyltransferase 2; minus strand). Cytogenetic location: 14q24.3.
Variant type: single nucleotide variant.
Coding change: c.1891+54A>G on transcript NM_013382.7 (MANE Select); 54 bases into the intron after coding-DNA position 1891, A replaced by G.
Molecular consequence: intron variant.
Genome position (GRCh38, 1-based): chr14:77,279,769, T>C on the plus strand (A>G on the coding strand, the complement: POMT2 is on the minus strand). VCF-style: chr14-77279769-T-C. GRCh37 (hg19) VCF-style: chr14-77746112-T-C.
Identifiers: ClinVar variation 668041 (VCV000668041.2), dbSNP rs11625197, ClinGen allele CA7285648.